The following is an entry in ClinVar:

NM_032043.3(BRIP1):c.1661A>G (p.Gln554Arg)

Gene: BRIP1 (BRCA1 interacting DNA helicase 1; minus strand). Cytogenetic location: 17q23.2.
Variant type: single nucleotide variant.
Coding change: c.1661A>G on transcript NM_032043.3 (MANE Select); coding-DNA position 1661, A replaced by G.
Protein change: p.Gln554Arg; replaces glutamine 554 with arginine.
Molecular consequence: missense variant.
Genome position (GRCh38, 1-based): chr17:61,780,973, T>C on the plus strand (A>G on the coding strand, the complement: BRIP1 is on the minus strand). VCF-style: chr17-61780973-T-C. GRCh37 (hg19) VCF-style: chr17-59858334-T-C.
Other names: short protein forms Q554R.
Identifiers: ClinVar variation 633139 (VCV000633139.4), dbSNP rs1567813893, ClinGen allele CA400480522.
Genomic context (GRCh38, chr17:61,780,973, plus strand): 5'-GGTAGAACCAACAACCCATTTTTGTCTGAAATATCAATCTGATTTGTCCAGGAGTAAGTC[T>C]GTTGAATCGCAATTTTATAATCATCTGCAAATCTAGATGCAAAGAAAGTGCTAATTAAGT-3'
Protein context (NP_114432.2, residues 544-564): FADDYKIAIQ[Gln554Arg]TYSWTNQIDI

ClinVar aggregate classification (germline): Conflicting classifications of pathogenicity. Review status: criteria provided, conflicting classifications (1 of 4 stars). 4 submissions from 4 submitters: Uncertain significance (2); Likely benign (1). 1 of the submissions does not count toward it. Last evaluated 2025-06-29.

Conditions:
Familial cancer of breast. Also called: BREAST CANCER, FAMILIAL; hereditary breast carcinoma; Hereditary breast cancer. Identifiers: Orphanet 227535, MedGen C0346153, MONDO:0016419, OMIM 114480. Disease mechanism: loss of function.
Fanconi anemia complementation group J. Also called: BRIP1-Related Fanconi Anemia. Identifiers: Orphanet 84, MedGen C1836860, MONDO:0012187, OMIM 609054.
Hereditary cancer-predisposing syndrome. Also called: Hereditary Cancer Syndrome; Neoplastic Syndromes, Hereditary; Tumor predisposition; Hereditary neoplastic syndrome. Identifiers: Orphanet 140162, MedGen C0027672, MeSH D009386, MONDO:0015356.

Allele frequency attached by ClinVar (database versions not stated): gnomAD exomes below 0.00001.
gnomAD v4.1: 3 of 1,614,090 alleles (0.00019%); highest among the groups gnomAD compares: East Asian, 0.0045%; no homozygotes.

Submissions (4):

Labcorp Genetics (formerly Invitae), Labcorp
Classification: Uncertain significance for Familial cancer of breast; Fanconi anemia complementation group J. Last evaluated: 2025-06-29. Review status: criteria provided, single submitter. Criteria: Invitae Variant Classification Sherloc (09022015). Collection method: clinical testing. Allele origin: germline.
Comment: This sequence change replaces glutamine, which is neutral and polar, with arginine, which is basic and polar, at codon 554 of the BRIP1 protein (p.Gln554Arg). This variant is not present in population databases (gnomAD no frequency). This variant has not been reported in the literature in individuals affected with BRIP1-related conditions. ClinVar contains an entry for this variant (Variation ID: 633139). Invitae Evidence Modeling of protein sequence and biophysical properties (such as structural, functional, and spatial information, amino acid conservation, physicochemical variation, residue mobility, and thermodynamic stability) indicates that this missense variant is not expected to disrupt BRIP1 protein function with a negative predictive value of 95%. In summary, the available evidence is currently insufficient to determine the role of this variant in disease. Therefore, it has been classified as a Variant of Uncertain Significance.

Ambry Genetics
Classification: Likely benign for Hereditary cancer-predisposing syndrome. Last evaluated: 2024-03-28. Review status: criteria provided, single submitter. Criteria: Ambry Variant Classification Scheme 2023. Collection method: clinical testing. Allele origin: germline.

Women's Health and Genetics/Laboratory Corporation of America, LabCorp
Classification: Uncertain significance. Last evaluated: 2018-11-05. Review status: criteria provided, single submitter. Criteria: LabCorp Variant Classification Summary - May 2015. Collection method: clinical testing. Allele origin: germline.
Comment: Variant summary: BRIP1 c.1661A>G (p.Gln554Arg) results in a conservative amino acid change in the encoded protein sequence. Four of five in-silico tools predict a benign effect of the variant on protein function. The variant was absent in 277108 control chromosomes. The available data on variant occurrences in the general population are insufficient to allow any conclusion about variant significance. To our knowledge, no occurrence of c.1661A>G in individuals affected with Hereditary Breast and Ovarian Cancer and no experimental evidence demonstrating its impact on protein function have been reported. No clinical diagnostic laboratories have submitted clinical-significance assessments for this variant to ClinVar after 2014. Based on the evidence outlined above, the variant was classified as uncertain significance.

Leiden Open Variation Database
Classification: Uncertain significance. Last evaluated: 2019-08-13. Review status: no assertion criteria provided. Collection method: curation. Allele origin: germline. Affected: yes. Not counted in ClinVar's aggregate classification.
Comment: Curator: Arleen D. Auerbach. Submitter to LOVD: Yukihide Momozawa.

Literature cited by the submitters: PubMed 31214711 (cited by Ambry Genetics and Leiden Open Variation Database).